The following is an entry in ClinVar:

NM_001166108.2(PALLD):c.919G>A (p.Glu307Lys)

Gene: PALLD (palladin, cytoskeletal associated protein; plus strand). Cytogenetic location: 4q32.3.
Variant type: single nucleotide variant.
Coding change: c.919G>A on transcript NM_001166108.2 (MANE Select); coding-DNA position 919, G replaced by A.
Protein change: p.Glu307Lys; replaces glutamic acid 307 with lysine.
Molecular consequence: missense variant. On other transcripts: 5 prime UTR variant (1).
Genome position (GRCh38, 1-based): chr4:168,668,200, G>A. VCF-style: chr4-168668200-G-A. GRCh37 (hg19) VCF-style: chr4-169589351-G-A.
Other names: c.-228G>A (NM_001166109.2); c.919G>A, p.Glu307Lys (NM_016081.4); short protein forms E307K.
Identifiers: ClinVar variation 1766144 (VCV001766144.2), dbSNP rs758865445, ClinGen allele CA3135470.

ClinVar aggregate classification (germline): Uncertain significance (1 of 4 stars; one submission).

Allele frequency attached by ClinVar (database versions not stated): gnomAD 0.00002; TOPMed 0.00004; gnomAD exomes 0.00005; ExAC 0.00008.
gnomAD v4.1: 30 of 1,613,920 alleles (0.0019%); highest among the groups gnomAD compares: Admixed American, 0.05%; 1 homozygote.

Submission:

Ambry Genetics
Classification: Uncertain significance. Last evaluated: 2022-10-24. Review status: criteria provided, single submitter. Criteria: Ambry Variant Classification Scheme 2023. Collection method: clinical testing. Allele origin: germline.
Comment: The p.E307K variant (also known as c.919G>A), located in coding exon 2 of the PALLD gene, results from a G to A substitution at nucleotide position 919. The glutamic acid at codon 307 is replaced by lysine, an amino acid with similar properties. This amino acid position is conserved. In addition, the in silico prediction for this alteration is inconclusive. Since supporting evidence is limited at this time, the clinical significance of this alteration remains unclear.